The following is an entry in ClinVar:

ClinVar aggregate classification (germline): Uncertain significance (1 of 4 stars; one submission).

Submission:

Labcorp Genetics (formerly Invitae), Labcorp
Classification: Uncertain significance. Last evaluated: 2024-06-19. Review status: criteria provided, single submitter. Criteria: Invitae Variant Classification Sherloc (09022015). Collection method: clinical testing. Allele origin: germline.
Comment: This sequence change replaces methionine, which is neutral and non-polar, with threonine, which is neutral and polar, at codon 1609 of the KMT2A protein (p.Met1609Thr). This variant is not present in population databases (gnomAD no frequency). This variant has not been reported in the literature in individuals affected with KMT2A-related conditions. Advanced modeling of protein sequence and biophysical properties (such as structural, functional, and spatial information, amino acid conservation, physicochemical variation, residue mobility, and thermodynamic stability) has been performed at Invitae for this missense variant, however the output from this modeling did not meet the statistical confidence thresholds required to predict the impact of this variant on KMT2A protein function. In summary, the available evidence is currently insufficient to determine the role of this variant in disease. Therefore, it has been classified as a Variant of Uncertain Significance.

NM_001197104.2(KMT2A):c.4826T>C (p.Met1609Thr)

Gene: KMT2A (lysine methyltransferase 2A; plus strand). Cytogenetic location: 11q23.3.
Variant type: single nucleotide variant.
Coding change: c.4826T>C on transcript NM_001197104.2 (MANE Select); coding-DNA position 4826, T replaced by C.
Protein change: p.Met1609Thr; replaces methionine 1609 with threonine.
Molecular consequence: missense variant.
Genome position (GRCh38, 1-based): chr11:118,491,750, T>C. VCF-style: chr11-118491750-T-C. GRCh37 (hg19) VCF-style: chr11-118362465-T-C.
Other names: c.4916T>C, p.Met1639Thr (NM_001412597.1); c.4817T>C, p.Met1606Thr (NM_005933.4); short protein forms M1639T, M1606T, M1609T.
Identifiers: ClinVar variation 3695181 (VCV003695181.2).
Genomic context (GRCh38, chr11:118,491,750, plus strand): 5'-TCCTCTCTCTCATTCTTCAGAGGACCTCATCATGGTAGGTTTTTGTTTTCTTAGATGAGA[T>C]GTATGAGATTCTATCTAATCTGCCAGAAAGTGTGGCCTACACTTGTGTGAACTGTACTGA-3'
Protein context (NP_001184033.1, residues 1599-1619): CENLSGTEDE[Met1609Thr]YEILSNLPES